The following is an entry in ClinVar:

NM_004519.4(KCNQ3):c.2551A>G (p.Met851Val)

Gene: KCNQ3 (potassium voltage-gated channel subfamily Q member 3; minus strand). Cytogenetic location: 8q24.22.
Variant type: single nucleotide variant.
Coding change: c.2551A>G on transcript NM_004519.4 (MANE Select); coding-DNA position 2551, A replaced by G.
Protein change: p.Met851Val; replaces methionine 851 with valine.
Molecular consequence: missense variant.
Genome position (GRCh38, 1-based): chr8:132,129,330, T>C on the plus strand (A>G on the coding strand, the complement: KCNQ3 is on the minus strand). VCF-style: chr8-132129330-T-C. GRCh37 (hg19) VCF-style: chr8-133141577-T-C.
Other names: c.2191A>G, p.Met731Val (NM_001204824.2); short protein forms M731V, M851V.
Identifiers: ClinVar variation 4535186 (VCV004535186.6).
Genomic context (GRCh38, chr8:132,129,330, plus strand): 5'-GCTTATTGGAAGGGGTCCATACTGAATCAGAAATCCCATCCCCTGTGGACGACAGAGGCA[T>C]GGAGCCGCTGGGCGTGAAGGGGTCCGTGTCTGTGTCCGTCTCACCCTCGGCGAGGTACCG-3'
Protein context (NP_004510.1, residues 841-861): DTDPFTPSGS[Met851Val]PLSSTGDGIS

ClinVar aggregate classification (germline): Likely benign (1 of 4 stars; one submission).

gnomAD v4.1: 1 of 1,614,112 alleles (0.000062%); highest among the groups gnomAD compares: Non-Finnish European, 0.000085%; no homozygotes.

Submission:

CeGaT Center for Human Genetics Tuebingen
Classification: Likely benign. Last evaluated: 2025-11-01. Review status: criteria provided, single submitter. Criteria: CeGaT Center For Human Genetics Tuebingen Variant Classification Criteria Version 2. Collection method: clinical testing. Allele origin: germline. Affected: yes. Observed: 1 variant allele.
Comment: KCNQ3: BP4